The following is an entry in ClinVar:

ClinVar aggregate classification (germline): Uncertain significance (1 of 4 stars; one submission).

Allele frequency attached by ClinVar (database versions not stated): gnomAD exomes below 0.00001; TOPMed 0.00001; gnomAD 0.00001; ExAC 0.00001.
gnomAD v4.1: 6 of 1,613,922 alleles (0.00037%); highest among the groups gnomAD compares: African/African-American, 0.008%; no homozygotes.

Submission:

Labcorp Genetics (formerly Invitae), Labcorp
Classification: Uncertain significance. Last evaluated: 2025-06-12. Review status: criteria provided, single submitter. Criteria: Invitae Variant Classification Sherloc (09022015). Collection method: clinical testing. Allele origin: germline.
Comment: This sequence change replaces glutamic acid, which is acidic and polar, with glycine, which is neutral and non-polar, at codon 2017 of the LRP2 protein (p.Glu2017Gly). This variant is present in population databases (rs766351484, gnomAD 0.01%). This variant has not been reported in the literature in individuals affected with LRP2-related conditions. ClinVar contains an entry for this variant (Variation ID: 2088233). Invitae Evidence Modeling of protein sequence and biophysical properties (such as structural, functional, and spatial information, amino acid conservation, physicochemical variation, residue mobility, and thermodynamic stability) indicates that this missense variant is not expected to disrupt LRP2 protein function with a negative predictive value of 80%. In summary, the available evidence is currently insufficient to determine the role of this variant in disease. Therefore, it has been classified as a Variant of Uncertain Significance.

NM_004525.3(LRP2):c.6050A>G (p.Glu2017Gly)

Gene: LRP2 (LDL receptor related protein 2; minus strand). Cytogenetic location: 2q31.1.
Variant type: single nucleotide variant.
Coding change: c.6050A>G on transcript NM_004525.3 (MANE Select); coding-DNA position 6050, A replaced by G.
Protein change: p.Glu2017Gly; replaces glutamic acid 2017 with glycine.
Molecular consequence: missense variant.
Genome position (GRCh38, 1-based): chr2:169,212,198, T>C on the plus strand (A>G on the coding strand, the complement: LRP2 is on the minus strand). VCF-style: chr2-169212198-T-C. GRCh37 (hg19) VCF-style: chr2-170068708-T-C.
Other names: short protein forms E2017G.
Identifiers: ClinVar variation 2088233 (VCV002088233.4), dbSNP rs766351484, ClinGen allele CA1954363.